The following is an entry in ClinVar:

NM_201550.4(LRRC10):c.382A>G (p.Ile128Val)

Gene: LRRC10 (leucine rich repeat containing 10; minus strand). Cytogenetic location: 12q15.
Variant type: single nucleotide variant.
Coding change: c.382A>G on transcript NM_201550.4 (MANE Select); coding-DNA position 382, A replaced by G.
Protein change: p.Ile128Val; replaces isoleucine 128 with valine.
Molecular consequence: missense variant.
Genome position (GRCh38, 1-based): chr12:69,610,457, T>C on the plus strand (A>G on the coding strand, the complement: LRRC10 is on the minus strand). VCF-style: chr12-69610457-T-C. GRCh37 (hg19) VCF-style: chr12-70004237-T-C.
Other names: c.382A>G (NM_201550.2); short protein forms I128V.
Identifiers: ClinVar variation 1363387 (VCV001363387.7), dbSNP rs376622534, ClinGen allele CA6681079.

ClinVar aggregate classification (germline): Conflicting classifications of pathogenicity. Review status: criteria provided, conflicting classifications (1 of 4 stars). 2 submissions from 2 submitters: Uncertain significance (1); Likely benign (1). Last evaluated 2025-10-30.

Allele frequency attached by ClinVar (database versions not stated): ExAC 0.00003; gnomAD exomes 0.00010 and 0.00002; TOPMed 0.00004; gnomAD 0.00007; ESP Exome Variant Server 0.00008.

Submissions (2):

Ambry Genetics
Classification: Likely benign. Last evaluated: 2025-10-30. Review status: criteria provided, single submitter. Criteria: Ambry Variant Classification Scheme 2023. Collection method: clinical testing. Allele origin: germline.

Labcorp Genetics (formerly Invitae), Labcorp
Classification: Uncertain significance. Last evaluated: 2025-05-11. Review status: criteria provided, single submitter. Criteria: Invitae Variant Classification Sherloc (09022015). Collection method: clinical testing. Allele origin: germline.
Comment: This sequence change replaces isoleucine, which is neutral and non-polar, with valine, which is neutral and non-polar, at codon 128 of the LRRC10 protein (p.Ile128Val). This variant is present in population databases (rs376622534, gnomAD 0.008%). This variant has not been reported in the literature in individuals affected with LRRC10-related conditions. ClinVar contains an entry for this variant (Variation ID: 1363387). An algorithm developed to predict the effect of missense changes on protein structure and function outputs the following: PolyPhen-2: "Benign". The valine amino acid residue is found in multiple mammalian species, which suggests that this missense change does not adversely affect protein function. In summary, the available evidence is currently insufficient to determine the role of this variant in disease. Therefore, it has been classified as a Variant of Uncertain Significance.